The following is an entry in ClinVar:

ClinVar aggregate classification (germline): Conflicting classifications of pathogenicity. Review status: criteria provided, conflicting classifications (1 of 4 stars). 14 submissions from 14 submitters: Uncertain significance (1); Benign (7); Likely benign (2). 4 of the submissions do not count toward it. Last evaluated 2026-08-01.

Conditions:
CREBBP-related disorder. Also called: CREBBP-related disorders; CREBBP-related condition.
Rubinstein-Taybi syndrome (RSTS). Identifiers: Orphanet 783, MedGen C0035934, MONDO:0019188.
Inborn genetic diseases. Identifiers: MedGen C0950123, MeSH D030342.
Rubinstein-Taybi syndrome due to CREBBP mutations (RSTS1). Also called: RUBINSTEIN-TAYBI SYNDROME 1, INCOMPLETE; RUBINSTEIN SYNDROME; CREBBP-Related Rubinstein-Taybi Syndrome; BROAD THUMB-HALLUX SYNDROME; Rubinstein-Taybi syndrome 1; BROAD THUMBS AND GREAT TOES, CHARACTERISTIC FACIES, AND IMPAIRED INTELLECTUAL DEVELOPMENT. Identifiers: Orphanet 353277, Orphanet 783, MedGen C4551859, MONDO:0008393, OMIM 180849.

Allele frequency attached by ClinVar (database versions not stated): 1000 Genomes Project 0.00040; 1000 Genomes Project 30x 0.00047; TOPMed 0.00131; gnomAD exomes 0.00154; ExAC 0.00365; gnomAD 0.00113 and 0.00120; ESP Exome Variant Server 0.00124.
gnomAD v4.1: 2,675 of 1,572,556 alleles (0.17%); highest among the groups gnomAD compares: Middle Eastern, 0.94%; 6 homozygotes.

Submissions (14):

CeGaT Center for Human Genetics Tuebingen
Classification: Likely benign. Last evaluated: 2026-08-01. Review status: criteria provided, single submitter. Criteria: CeGaT Center For Human Genetics Tuebingen Variant Classification Criteria Version 2. Collection method: clinical testing. Allele origin: germline. Affected: yes. Observed: 27 variant alleles.
Comment: CREBBP: PP2, BP4, BS1

Labcorp Genetics (formerly Invitae), Labcorp
Classification: Benign for Rubinstein-Taybi syndrome. Last evaluated: 2026-01-19. Review status: criteria provided, single submitter. Criteria: Invitae Variant Classification Sherloc (09022015). Collection method: clinical testing. Allele origin: germline.

Blueprint Genetics
Classification: Benign. Last evaluated: 2024-11-25. Review status: criteria provided, single submitter. Criteria: ACMG Guidelines, 2015. Collection method: clinical testing. Allele origin: germline.

Dubai Health Genomic Medicine Center, Dubai Health
Classification: Benign. Last evaluated: 2020-03-19. Review status: criteria provided, single submitter. Criteria: ACMG Guidelines, 2015. Collection method: clinical testing. Allele origin: germline. Affected: yes.

GeneDx
Classification: Benign. Last evaluated: 2019-10-24. Review status: criteria provided, single submitter. Criteria: GeneDx Variant Classification Process June 2021. Collection method: clinical testing. Allele origin: germline. Affected: yes.
Comment: This variant is associated with the following publications: (PMID: 23891399, 27884173, 22591219)

Ambry Genetics
Classification: Likely benign for Inborn genetic diseases. Last evaluated: 2018-01-10. Review status: criteria provided, single submitter. Criteria: Ambry Variant Classification Scheme 2023. Collection method: clinical testing. Allele origin: germline.

Center for Pediatric Genomic Medicine, Children's Mercy Hospital and Clinics
Classification: Benign. Last evaluated: 2015-12-21. Review status: criteria provided, single submitter. Criteria: ACMG Guidelines, 2015. Collection method: clinical testing. Allele origin: germline.

Genomic Diagnostic Laboratory, Division of Genomic Diagnostics, Children's Hospital of Philadelphia
Classification: Benign. Last evaluated: 2015-06-05. Review status: criteria provided, single submitter. Criteria: DGD Variant Analysis Guidelines. Collection method: clinical testing. Allele origin: unknown.

Eurofins Ntd Llc (ga)
Classification: Benign. Last evaluated: 2014-04-28. Review status: criteria provided, single submitter. Criteria: EGL Classification Definitions 2015. Collection method: clinical testing. Allele origin: germline. Observed: 6 variant alleles, 6 heterozygotes.

Genetic Services Laboratory, University of Chicago
Classification: Uncertain significance for Rubinstein-Taybi syndrome. Last evaluated: 2013-02-08. Review status: criteria provided, single submitter. Criteria: ACMG Guidelines, 2007. Collection method: clinical testing. Allele origin: germline. Inheritance: Autosomal dominant inheritance.

PreventionGenetics, part of Exact Sciences
Classification: Benign for CREBBP-related condition. Last evaluated: 2019-05-04. Review status: no assertion criteria provided. Collection method: clinical testing. Allele origin: germline. Not counted in ClinVar's aggregate classification.
Comment: This variant is classified as benign based on ACMG/AMP sequence variant interpretation guidelines (Richards et al. 2015 PMID: 25741868, with internal and published modifications).

Clinical Genetics DNA and cytogenetics Diagnostics Lab, Erasmus MC, Erasmus Medical Center
Classification: Likely benign. Review status: no assertion criteria provided. Collection method: clinical testing. Allele origin: germline. Affected: yes. Study: VKGL Data-share Consensus. Not counted in ClinVar's aggregate classification.

Diagnostic Laboratory, Department of Genetics, University Medical Center Groningen
Classification: Likely benign. Review status: no assertion criteria provided. Collection method: clinical testing. Allele origin: germline. Affected: yes. Study: VKGL Data-share Consensus. Not counted in ClinVar's aggregate classification.

Laboratory of Diagnostic Genome Analysis, Leiden University Medical Center (LUMC)
Classification: Likely benign. Review status: no assertion criteria provided. Collection method: clinical testing. Allele origin: germline. Affected: yes. Study: VKGL Data-share Consensus. Not counted in ClinVar's aggregate classification.

Literature cited by the submitters: PubMed 22591219 (cited by Ambry Genetics and Eurofins Ntd Llc (ga)).

NM_004380.3(CREBBP):c.5719G>A (p.Ala1907Thr)

Gene: CREBBP (CREB binding lysine acetyltransferase; minus strand). Cytogenetic location: 16p13.3.
Variant type: single nucleotide variant.
Coding change: c.5719G>A on transcript NM_004380.3 (MANE Select); coding-DNA position 5719, G replaced by A.
Protein change: p.Ala1907Thr; replaces alanine 1907 with threonine.
Molecular consequence: missense variant.
Genome position (GRCh38, 1-based): chr16:3,729,328, C>T on the plus strand (G>A on the coding strand, the complement: CREBBP is on the minus strand). VCF-style: chr16-3729328-C-T. GRCh37 (hg19) VCF-style: chr16-3779329-C-T.
Other names: c.5605G>A, p.Ala1869Thr (NM_001079846.1); short protein forms A1907T, A1869T.
Identifiers: ClinVar variation 95056 (VCV000095056.91), dbSNP rs199990883, ClinGen allele CA248675.